The following is an entry in ClinVar:

ClinVar aggregate classification (germline): Uncertain significance (1 of 4 stars; one submission).

Conditions:
Hereditary cancer-predisposing syndrome. Also called: Neoplastic Syndromes, Hereditary; Hereditary Cancer Syndrome; Hereditary neoplastic syndrome; Tumor predisposition. Identifiers: Orphanet 140162, MedGen C0027672, MeSH D009386, MONDO:0015356.

Submission:

Ambry Genetics
Classification: Uncertain significance for Hereditary cancer-predisposing syndrome. Last evaluated: 2023-04-06. Review status: criteria provided, single submitter. Criteria: Ambry Variant Classification Scheme 2023. Collection method: clinical testing. Allele origin: germline.
Comment: The p.T555P variant (also known as c.1663A>C), located in coding exon 11 of the FLCN gene, results from an A to C substitution at nucleotide position 1663. The threonine at codon 555 is replaced by proline, an amino acid with highly similar properties. This amino acid position is conserved. In addition, this alteration is predicted to be deleterious by in silico analysis. Since supporting evidence is limited at this time, the clinical significance of this alteration remains unclear.

NM_144997.7(FLCN):c.1663A>C (p.Thr555Pro)

Gene: FLCN (folliculin; minus strand). Cytogenetic location: 17p11.2.
Variant type: single nucleotide variant.
Coding change: c.1663A>C on transcript NM_144997.7 (MANE Select); coding-DNA position 1663, A replaced by C.
Protein change: p.Thr555Pro; replaces threonine 555 with proline.
Molecular consequence: missense variant.
Genome position (GRCh38, 1-based): chr17:17,213,732, T>G on the plus strand (A>C on the coding strand, the complement: FLCN is on the minus strand). VCF-style: chr17-17213732-T-G. GRCh37 (hg19) VCF-style: chr17-17117046-T-G.
Other names: c.1717A>C, p.Thr573Pro (NM_001353229.2); c.1663A>C, p.Thr555Pro (NM_001353230.2, NM_001353231.2); short protein forms T573P, T555P.
Identifiers: ClinVar variation 2566316 (VCV002566316.2), dbSNP rs2144808408, ClinGen allele CA398529904.
Genomic context (GRCh38, chr17:17,213,732, plus strand): 5'-AGGCTGTGGGGCTGCGGACCGTGGACATGAGGTGTGACTTGTAGGTCTTGCTCAGGCCAG[T>G]CATCCAGAACTTCAGCAGCTTGACATTGTCCTCCTCGGACGCACCCAGGATGCTCAGCAG-3'
Protein context (NP_659434.2, residues 545-565): DNVKLLKFWM[Thr555Pro]GLSKTYKSHL